The following is an entry in ClinVar:

ClinVar aggregate classification (germline): Uncertain significance (0 of 4 stars; one submission).

Conditions:
STK36-related disorder. Also called: STK36-related condition.

Submission:

PreventionGenetics, part of Exact Sciences
Classification: Uncertain significance for STK36-related condition. Last evaluated: 2024-09-27. Review status: no assertion criteria provided. Collection method: clinical testing. Allele origin: germline.
Comment: The STK36 c.463A>T variant is predicted to result in the amino acid substitution p.Met155Leu. To our knowledge, this variant has not been reported in the literature or in a large population database, indicating this variant is rare. At this time, the clinical significance of this variant is uncertain due to the absence of conclusive functional and genetic evidence.

NM_015690.5(STK36):c.463A>T (p.Met155Leu)

Gene: STK36 (serine/threonine kinase 36; plus strand). Cytogenetic location: 2q35.
Variant type: single nucleotide variant.
Coding change: c.463A>T on transcript NM_015690.5 (MANE Select); coding-DNA position 463, A replaced by T.
Protein change: p.Met155Leu; replaces methionine 155 with leucine.
Molecular consequence: missense variant.
Genome position (GRCh38, 1-based): chr2:218,676,057, A>T. VCF-style: chr2-218676057-A-T. GRCh37 (hg19) VCF-style: chr2-219540780-A-T.
Other names: c.463A>T, p.Met155Leu (NM_001243313.2, NM_001369423.1); short protein forms M155L.
Identifiers: ClinVar variation 3347694 (VCV003347694.1).